The following is an entry in ClinVar:

NM_001127178.3(PIGG):c.120C>G (p.His40Gln)

Gene: PIGG (phosphatidylinositol glycan anchor biosynthesis class G (EMM blood group); plus strand). Cytogenetic location: 4p16.3.
Variant type: single nucleotide variant.
Coding change: c.120C>G on transcript NM_001127178.3 (MANE Select); coding-DNA position 120, C replaced by G.
Protein change: p.His40Gln; replaces histidine 40 with glutamine.
Molecular consequence: missense variant. On other transcripts: 5 prime UTR variant (9), non-coding transcript variant (10), intron variant (1).
Genome position (GRCh38, 1-based): chr4:499,455, C>G. VCF-style: chr4-499455-C-G. GRCh37 (hg19) VCF-style: chr4-493244-C-G.
Other names: c.120C>G, p.His40Gln (NM_001289052.2, NM_001345989.2, NM_017733.5); c.-706C>G (NM_001289053.2); c.-317C>G (NM_001289055.2); c.-384C>G (NM_001289057.2, NM_001345986.2, NM_001345987.2); c.-1004C>G (NM_001345988.2); c.-1506C>G (NM_001345990.2); c.-1604C>G (NM_001345991.2); c.-1329C>G (NM_001345994.2); and 1 more; short protein forms H40Q.
Identifiers: ClinVar variation 941877 (VCV000941877.7), dbSNP rs782126872, ClinGen allele CA2792891.

ClinVar aggregate classification (germline): Uncertain significance (1 of 4 stars; one submission).

Conditions:
Intellectual disability, autosomal recessive 53 (NEDHSCA). Also called: NEURODEVELOPMENTAL DISORDER WITH OR WITHOUT HYPOTONIA, SEIZURES, AND CEREBELLAR ATROPHY; GLYCOSYLPHOSPHATIDYLINOSITOL BIOSYNTHESIS DEFECT 13; Mental retardation, autosomal recessive 53. Identifiers: Orphanet 488635, MedGen C4310794, MONDO:0014832, OMIM 616917.

Allele frequency attached by ClinVar (database versions not stated): ExAC 0.00002; gnomAD exomes 0.00002; gnomAD 0.00003 and 0.00004; TOPMed 0.00009.
gnomAD v4.1: 16 of 1,602,772 alleles (0.001%); highest among the groups gnomAD compares: African/African-American, 0.02%; no homozygotes.

Submission:

Labcorp Genetics (formerly Invitae), Labcorp
Classification: Uncertain significance for Intellectual disability, autosomal recessive 53. Last evaluated: 2022-07-26. Review status: criteria provided, single submitter. Criteria: Invitae Variant Classification Sherloc (09022015). Collection method: clinical testing. Allele origin: germline.
Comment: This sequence change replaces histidine, which is basic and polar, with glutamine, which is neutral and polar, at codon 40 of the PIGG protein (p.His40Gln). This variant is present in population databases (rs782126872, gnomAD 0.03%). This variant has not been reported in the literature in individuals affected with PIGG-related conditions. ClinVar contains an entry for this variant (Variation ID: 941877). Algorithms developed to predict the effect of missense changes on protein structure and function output the following: SIFT: "Tolerated"; PolyPhen-2: "Benign"; Align-GVGD: "Class C0". The glutamine amino acid residue is found in multiple mammalian species, which suggests that this missense change does not adversely affect protein function. In summary, the available evidence is currently insufficient to determine the role of this variant in disease. Therefore, it has been classified as a Variant of Uncertain Significance.